The following is an entry in ClinVar:

ClinVar aggregate classification (germline): Benign/Likely benign. Review status: criteria provided, multiple submitters, no conflicts (2 of 4 stars). 14 submissions from 14 submitters: Benign (9); Likely benign (4). 1 of the submissions does not count toward it. Last evaluated 2026-02-04.

Conditions:
Inborn genetic diseases. Identifiers: MedGen C0950123, MeSH D030342.
Cohen syndrome (COH1). Also called: PEPPER SYNDROME; Cutis verticis gyrata, retinitis pigmentosa, and sensorineural deafness. Identifiers: Orphanet 193, MedGen C0265223, MONDO:0008999, OMIM 216550.

Allele frequency attached by ClinVar (database versions not stated): gnomAD 0.00331 and 0.00339; ExAC 0.00809; 1000 Genomes Project 0.00379; TOPMed 0.00687; gnomAD exomes 0.00229 and 0.01093; ESP Exome Variant Server 0.00023; 1000 Genomes Project 30x 0.00406.
gnomAD v4.1: 3,793 of 1,612,966 alleles (0.24%); highest among the groups gnomAD compares: Admixed American, 6%; 169 homozygotes.

Submissions (14):

Labcorp Genetics (formerly Invitae), Labcorp
Classification: Benign for Cohen syndrome. Last evaluated: 2026-02-04. Review status: criteria provided, single submitter. Criteria: Invitae Variant Classification Sherloc (09022015). Collection method: clinical testing. Allele origin: germline.

Women's Health and Genetics/Laboratory Corporation of America, LabCorp
Classification: Likely benign. Last evaluated: 2026-01-22. Review status: criteria provided, single submitter. Criteria: LabCorp Variant Classification Summary - May 2015. Collection method: clinical testing. Allele origin: germline.

Blueprint Genetics
Classification: Likely benign. Last evaluated: 2024-11-25. Review status: criteria provided, single submitter. Criteria: ACMG Guidelines, 2015. Collection method: clinical testing. Allele origin: germline.

Athena Diagnostics
Classification: Benign. Last evaluated: 2024-08-14. Review status: criteria provided, single submitter. Criteria: Athena Diagnostics Criteria. Collection method: clinical testing. Allele origin: unknown.

Mayo Clinic Laboratories, Mayo Clinic
Classification: Benign. Last evaluated: 2019-02-21. Review status: criteria provided, single submitter. Criteria: ACMG Guidelines, 2015. Collection method: clinical testing. Allele origin: germline. Observed: 16 variant alleles.

Illumina Laboratory Services, Illumina
Classification: Benign for Cohen syndrome. Last evaluated: 2018-01-13. Review status: criteria provided, single submitter. Criteria: ICSL Variant Classification Criteria 13 December 2019. Collection method: clinical testing. Allele origin: germline.
Comment: This variant was observed in the ICSL laboratory as part of a predisposition screen in an ostensibly healthy population. It had not been previously curated by ICSL or reported in the Human Gene Mutation Database (HGMD: prior to June 1st, 2018), and was therefore a candidate for classification through an automated scoring system. Utilizing variant allele frequency, disease prevalence and penetrance estimates, and inheritance mode, an automated score was calculated to assess if this variant is too frequent to cause the disease. Based on the score and internal cut-off values, a variant classified as benign is not then subjected to further curation. The score for this variant resulted in a classification of benign for this disease.

Genetic Services Laboratory, University of Chicago
Classification: Benign. Last evaluated: 2016-05-04. Review status: criteria provided, single submitter. Criteria: ACMG Guidelines, 2015. Collection method: clinical testing. Allele origin: germline. Affected: no.

Ambry Genetics
Classification: Benign for Inborn genetic diseases. Last evaluated: 2016-03-11. Review status: criteria provided, single submitter. Criteria: Ambry Variant Classification Scheme 2023. Collection method: clinical testing. Allele origin: germline.

Center for Pediatric Genomic Medicine, Children's Mercy Hospital and Clinics
Classification: Benign. Last evaluated: 2016-01-13. Review status: criteria provided, single submitter. Criteria: ACMG Guidelines, 2015. Collection method: clinical testing. Allele origin: germline.

GeneDx
Classification: Benign. Last evaluated: 2015-07-20. Review status: criteria provided, single submitter. Criteria: GeneDx Variant Classification (06012015). Collection method: clinical testing. Allele origin: germline. Affected: yes.
Comment: This variant is considered likely benign or benign based on one or more of the following criteria: it is a conservative change, it occurs at a poorly conserved position in the protein, it is predicted to be benign by multiple in silico algorithms, and/or has population frequency not consistent with disease.

Eurofins Ntd Llc (ga)
Classification: Benign. Last evaluated: 2013-10-16. Review status: criteria provided, single submitter. Criteria: EGL Classification Definitions 2015. Collection method: clinical testing. Allele origin: germline. Observed: 3 variant alleles, 3 heterozygotes.

Breakthrough Genomics
Classification: Likely benign. Review status: criteria provided, single submitter. Criteria: ACMG Guidelines, 2015. Collection method: not provided. Allele origin: germline. Inheritance: Autosomal recessive inheritance. Affected: yes.

PreventionGenetics, part of Exact Sciences
Classification: Likely benign. Review status: criteria provided, single submitter. Criteria: ACMG Guidelines, 2015. Collection method: clinical testing. Allele origin: germline.

Natera, Inc.
Classification: Benign for Cohen syndrome. Last evaluated: 2020-09-16. Review status: no assertion criteria provided. Collection method: clinical testing. Allele origin: germline. Not counted in ClinVar's aggregate classification.

NM_152564.5(VPS13B):c.2275G>C (p.Val759Leu)

Gene: VPS13B (vacuolar protein sorting 13 homolog B; plus strand). Cytogenetic location: 8q22.2.
Variant type: single nucleotide variant.
Coding change: c.2275G>C on transcript NM_152564.5 (MANE Select); coding-DNA position 2275, G replaced by C.
Protein change: p.Val759Leu; replaces valine 759 with leucine.
Molecular consequence: missense variant.
Genome position (GRCh38, 1-based): chr8:99,170,105, G>C. VCF-style: chr8-99170105-G-C. GRCh37 (hg19) VCF-style: chr8-100182333-G-C.
Other names: c.2275G>C, p.Val759Leu (NM_015243.3, NM_017890.5); short protein forms V759L.
Identifiers: ClinVar variation 95838 (VCV000095838.34), dbSNP rs140848350, ClinGen allele CA148920.